The following is an entry in ClinVar:

NM_001005242.3(PKP2):c.2421G>A (p.Thr807=)

Gene: PKP2 (plakophilin 2; minus strand). Cytogenetic location: 12p11.21.
Variant type: single nucleotide variant.
Coding change: c.2421G>A on transcript NM_001005242.3 (MANE Select); coding-DNA position 2421, G replaced by A.
Protein change: p.Thr807=; no amino-acid change (threonine 807 retained).
Molecular consequence: synonymous variant.
Genome position (GRCh38, 1-based): chr12:32,792,668, C>T on the plus strand (G>A on the coding strand, the complement: PKP2 is on the minus strand). VCF-style: chr12-32792668-C-T. GRCh37 (hg19) VCF-style: chr12-32945602-C-T.
Other names: c.2553G>A, p.Thr851= (NM_004572.4).
Identifiers: ClinVar variation 512256 (VCV000512256.11), dbSNP rs199900632, ClinGen allele CA035877.
Genomic context (GRCh38, chr12:32,792,668, plus strand): 5'-TGTTAACTATGACACATTCCTTGTTCATGTTCTTACCTTCTTGTAGGCATGATGCAGTTC[C>T]GTGTGTGCCCACAGAGAATACAGAAGGACGGAAGCAGCTTTACTTGCTTTGTTGGAGGCA-3'
Protein context (NP_001005242.2, residues 797-817): SVLLYSLWAH[Thr807=]ELHHAYKKAQ

ClinVar aggregate classification (germline): Likely benign. Review status: criteria provided, multiple submitters, no conflicts (2 of 4 stars). 6 submissions from 6 submitters: Likely benign (6). Last evaluated 2024-04-08.

Conditions:
Cardiovascular phenotype. Identifiers: MedGen CN230736.
Cardiomyopathy (CMYO). Also called: Cardiomyopathies. Identifiers: Orphanet 167848, MedGen C0878544, MONDO:0004994, HP:0001638. Inheritance: Various modes of inheritance.
Arrhythmogenic right ventricular dysplasia 9 (ARVD9). Also called: Arrhythmogenic Right Ventricular Dysplasia/Cardiomyopathy 9; ARRHYTHMOGENIC RIGHT VENTRICULAR DYSPLASIA, FAMILIAL, 9. Identifiers: MedGen C1836906, MONDO:0012180, OMIM 609040.
Arrhythmogenic right ventricular cardiomyopathy (ARVD). Also called: Arrhythmogenic cardiomyopathy; Arrhythmogenic Right Ventricular Cardiomyopathy (ARVC); Cardiomyopathy, ARVC; Arrhythmogenic right ventricular dysplasia. Identifiers: Orphanet 247, MedGen C0349788, MeSH D019571, MONDO:0016587. Disease mechanism: loss of function. Inheritance: Various modes of inheritance.

Allele frequency attached by ClinVar (database versions not stated): gnomAD 0.00001; gnomAD exomes 0.00001 and 0.00002; ExAC 0.00005; ESP Exome Variant Server 0.00008; 1000 Genomes Project 30x 0.00016; 1000 Genomes Project 0.00020.
gnomAD v4.1: 10 of 1,613,914 alleles (0.00062%); highest among the groups gnomAD compares: Admixed American, 0.0083%; no homozygotes.

Submissions (6):

Labcorp Genetics (formerly Invitae), Labcorp
Classification: Likely benign for Arrhythmogenic right ventricular dysplasia 9. Last evaluated: 2024-04-08. Review status: criteria provided, single submitter. Criteria: Invitae Variant Classification Sherloc (09022015). Collection method: clinical testing. Allele origin: germline.

All of Us Research Program, National Institutes of Health
Classification: Likely benign for Arrhythmogenic right ventricular cardiomyopathy. Last evaluated: 2023-10-02. Review status: criteria provided, single submitter. Criteria: ACMG Guidelines, 2015. Collection method: clinical testing. Allele origin: germline. Inheritance: Autosomal dominant inheritance. Observed: 1 variant allele, 1 heterozygote.
Comment: This study involves interpretation of variants in research participants for the purpose of population health screening. Participant phenotype was not available at the time of variant classification. Additional details can be found in publication PMID: 35346344, PMCID: PMC8962531

Ambry Genetics
Classification: Likely benign for Cardiovascular phenotype. Last evaluated: 2023-07-15. Review status: criteria provided, single submitter. Criteria: Ambry Variant Classification Scheme 2023. Collection method: clinical testing. Allele origin: germline.

Women's Health and Genetics/Laboratory Corporation of America, LabCorp
Classification: Likely benign. Last evaluated: 2022-01-15. Review status: criteria provided, single submitter. Criteria: LabCorp Variant Classification Summary - May 2015. Collection method: clinical testing. Allele origin: germline.

Color Diagnostics, LLC DBA Color Health
Classification: Likely benign for Cardiomyopathy. Last evaluated: 2018-11-27. Review status: criteria provided, single submitter. Criteria: ACMG Guidelines, 2015. Collection method: clinical testing. Allele origin: germline.

GeneDx
Classification: Likely benign. Last evaluated: 2017-09-21. Review status: criteria provided, single submitter. Criteria: GeneDx Variant Classification (06012015). Collection method: clinical testing. Allele origin: germline. Affected: yes.
Comment: This variant is considered likely benign or benign based on one or more of the following criteria: it is a conservative change, it occurs at a poorly conserved position in the protein, it is predicted to be benign by multiple in silico algorithms, and/or has population frequency not consistent with disease.